The following is an entry in ClinVar:

ClinVar aggregate classification (germline): Uncertain significance (1 of 4 stars; one submission).

gnomAD v4.1: 1 of 1,613,830 alleles (0.000062%); no homozygotes.

Submission:

GeneDx
Classification: Uncertain significance. Last evaluated: 2019-07-03. Review status: criteria provided, single submitter. Criteria: GeneDx Variant Classification Process June 2021. Collection method: clinical testing. Allele origin: germline. Affected: yes.
Comment: Has not been previously published as pathogenic or benign to our knowledge; Not observed in large population cohorts (Lek et al., 2016); In silico analysis, which includes protein predictors and evolutionary conservation, supports that this variant does not alter protein structure/function

NM_018117.12(WDR11):c.719A>G (p.Glu240Gly)

Gene: WDR11 (WD repeat domain 11; plus strand). Cytogenetic location: 10q26.12.
Variant type: single nucleotide variant.
Coding change: c.719A>G on transcript NM_018117.12 (MANE Select); coding-DNA position 719, A replaced by G.
Protein change: p.Glu240Gly; replaces glutamic acid 240 with glycine.
Molecular consequence: missense variant.
Genome position (GRCh38, 1-based): chr10:120,865,052, A>G. VCF-style: chr10-120865052-A-G. GRCh37 (hg19) VCF-style: chr10-122624564-A-G.
Other names: short protein forms E240G.
Identifiers: ClinVar variation 1306670 (VCV001306670.2), dbSNP rs2133744158, ClinGen allele CA378322082.
Genomic context (GRCh38, chr10:120,865,052, plus strand): 5'-ATTAGGTCTGATATAAATGAAGTCTTTGACCCAAGTGAATGTTTACTTTTTTCAGTGCTG[A>G]ATTCATAACTCTCAATGATTGCCTTCAGTTGGCATACCTGCCTTCAAAAAGGAATCACAT-3'
Protein context (NP_060587.8, residues 230-250): ILITQEKPSA[Glu240Gly]FITLNDCLQL